The following is an entry in ClinVar:

NM_014055.4(IFT81):c.566T>C (p.Val189Ala)

Gene: IFT81 (intraflagellar transport 81; plus strand). Cytogenetic location: 12q24.11.
Variant type: single nucleotide variant.
Coding change: c.566T>C on transcript NM_014055.4 (MANE Select); coding-DNA position 566, T replaced by C.
Protein change: p.Val189Ala; replaces valine 189 with alanine.
Molecular consequence: missense variant. On other transcripts: 5 prime UTR variant (2), non-coding transcript variant (4).
Genome position (GRCh38, 1-based): chr12:110,134,994, T>C. VCF-style: chr12-110134994-T-C. GRCh37 (hg19) VCF-style: chr12-110572799-T-C.
Other names: c.566T>C, p.Val189Ala (NM_001143779.2, NM_001347946.2, NM_031473.4); c.-201T>C (NM_001347947.2, NM_001347948.2); short protein forms V189A.
Identifiers: ClinVar variation 2132462 (VCV002132462.2), dbSNP rs775357461, ClinGen allele CA6783115.

ClinVar aggregate classification (germline): Uncertain significance. Review status: criteria provided, multiple submitters, no conflicts (2 of 4 stars). 2 submissions from 2 submitters: Uncertain significance (2). Last evaluated 2021-12-06.

Allele frequency attached by ClinVar (database versions not stated): ExAC 0.00001; gnomAD 0.00001; gnomAD exomes 0.00002.
gnomAD v4.1: 29 of 1,609,396 alleles (0.0018%); highest among the groups gnomAD compares: Non-Finnish European, 0.0024%; no homozygotes.

Submissions (2):

Blueprint Genetics
Classification: Uncertain significance. Last evaluated: 2021-12-06. Review status: criteria provided, single submitter. Criteria: ACMG Guidelines, 2015. Collection method: clinical testing. Allele origin: germline.

Labcorp Genetics (formerly Invitae), Labcorp
Classification: Uncertain significance. Last evaluated: 2021-12-02. Review status: criteria provided, single submitter. Criteria: Invitae Variant Classification Sherloc (09022015). Collection method: clinical testing. Allele origin: germline.
Comment: This sequence change replaces valine, which is neutral and non-polar, with alanine, which is neutral and non-polar, at codon 189 of the IFT81 protein (p.Val189Ala). This variant is present in population databases (rs775357461, gnomAD 0.006%). This variant has not been reported in the literature in individuals affected with IFT81-related conditions. Algorithms developed to predict the effect of missense changes on protein structure and function are either unavailable or do not agree on the potential impact of this missense change (SIFT: "Deleterious"; PolyPhen-2: "Benign"; Align-GVGD: "Class C25"). In summary, the available evidence is currently insufficient to determine the role of this variant in disease. Therefore, it has been classified as a Variant of Uncertain Significance.